The following is an entry in ClinVar:

ClinVar aggregate classification (germline): Uncertain significance (1 of 4 stars; one submission).

Conditions:
Hereditary cancer-predisposing syndrome. Also called: Hereditary Cancer Syndrome; Hereditary neoplastic syndrome; Tumor predisposition; Neoplastic Syndromes, Hereditary. Identifiers: Orphanet 140162, MedGen C0027672, MeSH D009386, MONDO:0015356.

Submission:

Ambry Genetics
Classification: Uncertain significance for Hereditary cancer-predisposing syndrome. Last evaluated: 2024-10-08. Review status: criteria provided, single submitter. Criteria: Ambry Variant Classification Scheme 2023. Collection method: clinical testing. Allele origin: germline.
Comment: The p.W110G variant (also known as c.328T>G), located in coding exon 1 of the ALK gene, results from a T to G substitution at nucleotide position 328. The tryptophan at codon 110 is replaced by glycine, an amino acid with highly dissimilar properties. This amino acid position is conserved. In addition, this alteration is predicted to be tolerated by in silico analysis. Based on the available evidence, the clinical significance of this variant remains unclear.

NM_004304.5(ALK):c.328T>G (p.Trp110Gly)

Gene: ALK (ALK receptor tyrosine kinase; minus strand). Cytogenetic location: 2p23.1.
Variant type: single nucleotide variant.
Coding change: c.328T>G on transcript NM_004304.5 (MANE Select); coding-DNA position 328, T replaced by G.
Protein change: p.Trp110Gly; replaces tryptophan 110 with glycine.
Molecular consequence: missense variant.
Genome position (GRCh38, 1-based): chr2:29,920,332, A>C on the plus strand (T>G on the coding strand, the complement: ALK is on the minus strand). VCF-style: chr2-29920332-A-C. GRCh37 (hg19) VCF-style: chr2-30143198-A-C.
Other names: short protein forms W110G.
Identifiers: ClinVar variation 3523866 (VCV003523866.1).